The following is an entry in ClinVar:

NM_152490.5(B3GALNT2):c.652-4A>G

Gene: B3GALNT2 (beta-1,3-N-acetylgalactosaminyltransferase 2; minus strand). Cytogenetic location: 1q42.3.
Variant type: single nucleotide variant.
Coding change: c.652-4A>G on transcript NM_152490.5 (MANE Select); 4 bases into the intron before coding-DNA position 652, A replaced by G.
Molecular consequence: intron variant.
Genome position (GRCh38, 1-based): chr1:235,470,964, T>C on the plus strand (A>G on the coding strand, the complement: B3GALNT2 is on the minus strand). VCF-style: chr1-235470964-T-C. GRCh37 (hg19) VCF-style: chr1-235634278-T-C.
Other names: c.775-4A>G (NM_001277155.3).
Identifiers: ClinVar variation 1347986 (VCV001347986.5), dbSNP rs1683974448, ClinGen allele CA2486513582.

ClinVar aggregate classification (germline): Uncertain significance (1 of 4 stars; one submission).

Conditions:
Muscular dystrophy-dystroglycanopathy (congenital with brain and eye anomalies), type a, 11 (MDDGA11). Also called: WALKER-WARBURG SYNDROME OR MUSCLE-EYE-BRAIN DISEASE, B3GALNT2-RELATED; Congenital muscular dystrophy-dystroglycanopathy with brain and eye anomalies, type A11; Muscular dystrophy-dystroglycanopathy (congenital with brain and eye anomalies, type A, 11. Identifiers: Orphanet 588, Orphanet 899, MedGen C3554638, MONDO:0014071, OMIM 615181.

Allele frequency attached by ClinVar (database versions not stated): gnomAD 0.00001.
gnomAD v4.1: 1 of 1,613,468 alleles (0.000062%); highest among the groups gnomAD compares: East Asian, 0.0022%; no homozygotes.

Submission:

Labcorp Genetics (formerly Invitae), Labcorp
Classification: Uncertain significance for Muscular dystrophy-dystroglycanopathy (congenital with brain and eye anomalies), type a, 11. Last evaluated: 2022-04-28. Review status: criteria provided, single submitter. Criteria: Invitae Variant Classification Sherloc (09022015). Collection method: clinical testing. Allele origin: germline.
Comment: This sequence change falls in intron 5 of the B3GALNT2 gene. It does not directly change the encoded amino acid sequence of the B3GALNT2 protein. This variant is not present in population databases (gnomAD no frequency). This variant has not been reported in the literature in individuals affected with B3GALNT2-related conditions. Algorithms developed to predict the effect of sequence changes on RNA splicing suggest that this variant may create or strengthen a splice site. In summary, the available evidence is currently insufficient to determine the role of this variant in disease. Therefore, it has been classified as a Variant of Uncertain Significance.